The following is an entry in ClinVar:

NM_005207.4(CRKL):c.410A>G (p.Asn137Ser)

Gene: CRKL (CRK like proto-oncogene, adaptor protein; plus strand). Cytogenetic location: 22q11.21.
Variant type: single nucleotide variant.
Coding change: c.410A>G on transcript NM_005207.4 (MANE Select); coding-DNA position 410, A replaced by G.
Protein change: p.Asn137Ser; replaces asparagine 137 with serine.
Molecular consequence: missense variant. On other transcripts: non-coding transcript variant (1).
Genome position (GRCh38, 1-based): chr22:20,933,877, A>G. VCF-style: chr22-20933877-A-G. GRCh37 (hg19) VCF-style: chr22-21288165-A-G.
Other names: short protein forms N137S.
Identifiers: ClinVar variation 3497175 (VCV003497175.2).
Genomic context (GRCh38, chr22:20,933,877, plus strand): 5'-ACCTGCCTACAGCAGAAGATAACCTGGAATATGTACGGACTCTGTATGATTTTCCTGGGA[A>G]TGATGCCGAAGACCTGCCCTTTAAAAAGGGTGAGATCCTAGTGATAATAGAGAAGCCTGA-3'
Protein context (NP_005198.1, residues 127-147): YVRTLYDFPG[Asn137Ser]DAEDLPFKKG

ClinVar aggregate classification (germline): Uncertain significance. Review status: criteria provided, multiple submitters, no conflicts (2 of 4 stars). 2 submissions from 2 submitters: Uncertain significance (2). Last evaluated 2025-10-27.

gnomAD v4.1: 16 of 1,614,174 alleles (0.00099%); highest among the groups gnomAD compares: Middle Eastern, 0.066%; no homozygotes.

Submissions (2):

Labcorp Genetics (formerly Invitae), Labcorp
Classification: Uncertain significance. Last evaluated: 2025-10-27. Review status: criteria provided, single submitter. Criteria: Invitae Variant Classification Sherloc (09022015). Collection method: clinical testing. Allele origin: germline.
Comment: This sequence change replaces asparagine, which is neutral and polar, with serine, which is neutral and polar, at codon 137 of the CRKL protein (p.Asn137Ser). This variant is present in population databases (rs778388431, gnomAD 0.003%). This variant has not been reported in the literature in individuals affected with CRKL-related conditions. ClinVar contains an entry for this variant (Variation ID: 3497175). An algorithm developed to predict the effect of missense changes on protein structure and function (PolyPhen-2) suggests that this variant is likely to be tolerated. In summary, the available evidence is currently insufficient to determine the role of this variant in disease. Therefore, it has been classified as a Variant of Uncertain Significance.

Ambry Genetics
Classification: Uncertain significance. Last evaluated: 2024-07-05. Review status: criteria provided, single submitter. Criteria: Ambry Variant Classification Scheme 2023. Collection method: clinical testing. Allele origin: germline.